The following is an entry in ClinVar:

NM_030930.4(UNC93B1):c.1295G>C (p.Ser432Thr)

Gene: UNC93B1 (unc-93B1 regulator of TLR signaling; minus strand). Cytogenetic location: 11q13.2.
Variant type: single nucleotide variant.
Coding change: c.1295G>C on transcript NM_030930.4 (MANE Select); coding-DNA position 1295, G replaced by C.
Protein change: p.Ser432Thr; replaces serine 432 with threonine.
Molecular consequence: missense variant.
Genome position (GRCh38, 1-based): chr11:67,995,679, C>G on the plus strand (G>C on the coding strand, the complement: UNC93B1 is on the minus strand). VCF-style: chr11-67995679-C-G. GRCh37 (hg19) VCF-style: chr11-67763150-C-G.
Other names: short protein forms S432T.
Identifiers: ClinVar variation 1470978 (VCV001470978.6), dbSNP rs1856931003, ClinGen allele CA381569988.
Genomic context (GRCh38, chr11:67,995,679, plus strand): 5'-CCAGTCTTGTTCAGGGCACTGCCCACACCCCAAAGGGCAGCTGCCACATAGAGGATCCAG[C>G]TGTGTTGCAGGACCCGAGGCACAGGGGCCCAGAAAAAGAGGATGAAGGTGAGCAGCAGGT-3'
Protein context (NP_112192.2, residues 422-442): WAPVPRVLQH[Ser432Thr]WILYVAAALW

ClinVar aggregate classification (germline): Uncertain significance (1 of 4 stars; one submission).

Conditions:
Encephalopathy, acute, infection-induced (herpes-specific), susceptibility to, 1. Also called: Herpes simplex encephalitis, susceptibility to, 1. Identifiers: Orphanet 1930, MedGen C2750180, MONDO:0024563, OMIM 610551.

Submission:

Labcorp Genetics (formerly Invitae), Labcorp
Classification: Uncertain significance for Encephalopathy, acute, infection-induced (herpes-specific), susceptibility to, 1. Last evaluated: 2021-05-21. Review status: criteria provided, single submitter. Criteria: Invitae Variant Classification Sherloc (09022015). Collection method: clinical testing. Allele origin: germline.
Comment: In summary, the available evidence is currently insufficient to determine the role of this variant in disease. Therefore, it has been classified as a Variant of Uncertain Significance. Experimental studies and prediction algorithms are not available or were not evaluated, and the functional significance of this variant is currently unknown. This variant has not been reported in the literature in individuals with UNC93B1-related conditions. This variant is not present in population databases (ExAC no frequency). This sequence change replaces serine with threonine at codon 432 of the UNC93B1 protein (p.Ser432Thr). The serine residue is weakly conserved and there is a small physicochemical difference between serine and threonine.